The following is an entry in ClinVar:

NM_000051.4(ATM):c.56G>A (p.Arg19Lys)

Gene: ATM (ATM serine/threonine kinase; plus strand). Cytogenetic location: 11q22.3.
Variant type: single nucleotide variant.
Coding change: c.56G>A on transcript NM_000051.4 (MANE Select); coding-DNA position 56, G replaced by A.
Protein change: p.Arg19Lys; replaces arginine 19 with lysine.
Molecular consequence: missense variant.
Genome position (GRCh38, 1-based): chr11:108,227,680, G>A. VCF-style: chr11-108227680-G-A. GRCh37 (hg19) VCF-style: chr11-108098407-G-A.
Other names: c.56G>A, p.Arg19Lys (NM_001351834.2, NM_001351835.2, NM_001351836.2); short protein forms R19K.
Identifiers: ClinVar variation 418021 (VCV000418021.5), dbSNP rs1064793029, ClinGen allele CA16619093.

ClinVar aggregate classification (germline): Conflicting classifications of pathogenicity. Review status: criteria provided, conflicting classifications (1 of 4 stars). 3 submissions from 3 submitters: Uncertain significance (2); Likely benign (1). Last evaluated 2023-11-15.

Conditions:
Hereditary cancer-predisposing syndrome. Also called: Hereditary neoplastic syndrome; Tumor predisposition; Neoplastic Syndromes, Hereditary; Hereditary Cancer Syndrome. Identifiers: Orphanet 140162, MedGen C0027672, MeSH D009386, MONDO:0015356.

Submissions (3):

Ambry Genetics
Classification: Likely benign for Hereditary cancer-predisposing syndrome. Last evaluated: 2023-11-15. Review status: criteria provided, single submitter. Criteria: Ambry Variant Classification Scheme 2023. Collection method: clinical testing. Allele origin: germline.

Color Diagnostics, LLC DBA Color Health
Classification: Uncertain significance for Hereditary cancer-predisposing syndrome. Last evaluated: 2021-08-10. Review status: criteria provided, single submitter. Criteria: ACMG Guidelines, 2015. Collection method: clinical testing. Allele origin: germline.
Comment: This missense variant replaces arginine with lysine at codon 19 of the ATM protein. Computational prediction suggests that this variant may not impact protein structure and function (internally defined REVEL score threshold <= 0.5, PMID: 27666373). To our knowledge, functional studies have not been reported for this variant. This variant has not been reported in individuals affected with hereditary cancer in the literature. This variant has not been identified in the general population by the Genome Aggregation Database (gnomAD). The available evidence is insufficient to determine the role of this variant in disease conclusively. Therefore, this variant is classified as a Variant of Uncertain Significance.

GeneDx
Classification: Uncertain significance. Last evaluated: 2014-10-14. Review status: criteria provided, single submitter. Criteria: GeneDx Variant Classification (06012015). Collection method: clinical testing. Allele origin: germline. Affected: yes.
Comment: This variant is denoted ATM c.56G>A at the cDNA level, p.Arg19Lys (R19K) at the protein level, and results in the change of an Arginine to a Lysine (AGA>AAA). This variant has not, to our knowledge, been published in the literature as pathogenic or benign. ATM Arg19Lys was not observed in approximately 6,500 individuals of European and African American ancestry in the NHLBI Exome Sequencing Project, indicating it is not a common benign variant in these populations. Since Arginine and Lysine share similar properties, this is considered a conservative amino acid substitution. ATM Arg19Lys occurs at a position that is moderately conserved across species where Arg to Lys substitutions are accepted in several vertebrate species. This variant is not located within a known functional domain and in silico analyses predict that it is unlikely to alter protein structure or function. Based on currently available information, it is unclear whether ATM Arg19Lys is pathogenic or benign. We consider it to be a variant of uncertain significance.